The following is an entry in ClinVar:

NM_032043.3(BRIP1):c.658T>C (p.Ser220Pro)

Gene: BRIP1 (BRCA1 interacting DNA helicase 1; minus strand). Cytogenetic location: 17q23.2.
Variant type: single nucleotide variant.
Coding change: c.658T>C on transcript NM_032043.3 (MANE Select); coding-DNA position 658, T replaced by C.
Protein change: p.Ser220Pro; replaces serine 220 with proline.
Molecular consequence: missense variant.
Genome position (GRCh38, 1-based): chr17:61,808,727, A>G on the plus strand (T>C on the coding strand, the complement: BRIP1 is on the minus strand). VCF-style: chr17-61808727-A-G. GRCh37 (hg19) VCF-style: chr17-59886088-A-G.
Other names: short protein forms S220P.
Identifiers: ClinVar variation 483174 (VCV000483174.15), dbSNP rs1555609351, ClinGen allele CA400485189.
Genomic context (GRCh38, chr17:61,808,727, plus strand): 5'-TCCCTGTATGATCCTTCTTAATGGTATTCGATGACTCTTGACTGTTTCCTTGTTTAGTAG[A>G]ACAACAGCACCTAGAACAGTGGCCAGGGGGCTGTAAGAAAGGAAAGAAACGATAACTAAT-3'
Protein context (NP_114432.2, residues 210-230): PPGHCSRCCC[Ser220Pro]TKQGNSQESS

ClinVar aggregate classification (germline): Uncertain significance. Review status: criteria provided, multiple submitters, no conflicts (2 of 4 stars). 2 submissions from 2 submitters: Uncertain significance (2). Last evaluated 2021-02-05.

Conditions:
Hereditary cancer-predisposing syndrome. Also called: Hereditary neoplastic syndrome; Neoplastic Syndromes, Hereditary; Tumor predisposition; Hereditary Cancer Syndrome. Identifiers: Orphanet 140162, MedGen C0027672, MeSH D009386, MONDO:0015356.
Fanconi anemia complementation group J. Also called: BRIP1-Related Fanconi Anemia. Identifiers: Orphanet 84, MedGen C1836860, MONDO:0012187, OMIM 609054.
Familial cancer of breast. Also called: BREAST CANCER, FAMILIAL; Hereditary breast cancer; hereditary breast carcinoma. Identifiers: Orphanet 227535, MedGen C0346153, MONDO:0016419, OMIM 114480. Disease mechanism: loss of function.

Submissions (2):

Labcorp Genetics (formerly Invitae), Labcorp
Classification: Uncertain significance for Familial cancer of breast; Fanconi anemia complementation group J. Last evaluated: 2021-02-05. Review status: criteria provided, single submitter. Criteria: Invitae Variant Classification Sherloc (09022015). Collection method: clinical testing. Allele origin: germline.
Comment: In summary, the available evidence is currently insufficient to determine the role of this variant in disease. Therefore, it has been classified as a Variant of Uncertain Significance. Algorithms developed to predict the effect of missense changes on protein structure and function are either unavailable or do not agree on the potential impact of this missense change (SIFT: "Tolerated"; PolyPhen-2: "Possibly Damaging"; Align-GVGD: "Class C0"). This variant has not been reported in the literature in individuals with BRIP1-related conditions. ClinVar contains an entry for this variant (Variation ID: 483174). This variant is not present in population databases (ExAC no frequency). This sequence change replaces serine with proline at codon 220 of the BRIP1 protein (p.Ser220Pro). The serine residue is moderately conserved and there is a moderate physicochemical difference between serine and proline.

Ambry Genetics
Classification: Uncertain significance for Hereditary cancer-predisposing syndrome. Last evaluated: 2020-09-17. Review status: criteria provided, single submitter. Criteria: Ambry Variant Classification Scheme 2023. Collection method: clinical testing. Allele origin: germline.
Comment: The p.S220P variant (also known as c.658T>C), located in coding exon 6 of the BRIP1 gene, results from a T to C substitution at nucleotide position 658. The serine at codon 220 is replaced by proline, an amino acid with similar properties. This amino acid position is well conserved in available vertebrate species. In addition, the in silico prediction for this alteration is inconclusive. Since supporting evidence is limited at this time, the clinical significance of this alteration remains unclear.